The following is an entry in ClinVar:

ClinVar aggregate classification (germline): Conflicting classifications of pathogenicity. Review status: criteria provided, conflicting classifications (1 of 4 stars). 4 submissions from 4 submitters: Uncertain significance (2); Benign (1); Likely benign (1). Last evaluated 2026-10-02.

Conditions:
Bethlem myopathy 1A. Also called: MYOPATHY, BENIGN CONGENITAL, WITH CONTRACTURES; Bethlem Muscular Dystrophy; Bethlem myopathy 1. Identifiers: Orphanet 610, MedGen CN029274, MONDO:0024530, OMIM 158810.
Collagen 6-related myopathy. Identifiers: MedGen CN117976, MONDO:0100225.

Allele frequency attached by ClinVar (database versions not stated): gnomAD 0.00003; 1000 Genomes Project 0.00020; gnomAD exomes 0.00003 and 0.00011; ExAC 0.00012; 1000 Genomes Project 30x 0.00016; TOPMed 0.00006.
gnomAD v4.1: 75 of 1,614,104 alleles (0.0046%); highest among the groups gnomAD compares: East Asian, 0.078%; 1 homozygote.

Submissions (4):

GeneDx
Classification: Uncertain significance. Last evaluated: 2026-10-02. Review status: criteria provided, single submitter. Criteria: GeneDx Variant Classification Process June 2021. Collection method: clinical testing. Allele origin: germline.
Comment: Reported in the heterozygous state in an individual with congenital muscular dystrophy (PMID: 27854218); Previously reported in the heterozygous state in an individual with progressive muscle atrophy, generalized weakness, tongue atrophy and fasciculations; however, further segregation details were not available and this individual also harbored other genetic variants which may be contributing to their phenotype (Barona et al. (2026) Journal of Medicine, UST 2026,10,1); In silico analysis supports that this missense variant has a deleterious effect on protein structure/function; This variant is associated with the following publications: (PMID: 37273706, 27854218, Barona[2026]Case report)

Labcorp Genetics (formerly Invitae), Labcorp
Classification: Likely benign for Bethlem myopathy 1A. Last evaluated: 2026-02-01. Review status: criteria provided, single submitter. Criteria: Invitae Variant Classification Sherloc (09022015). Collection method: clinical testing. Allele origin: germline.

Illumina Laboratory Services, Illumina
Classification: Benign for Collagen VI-related myopathy. Last evaluated: 2018-01-13. Review status: criteria provided, single submitter. Criteria: ICSL Variant Classification Criteria 13 December 2019. Collection method: clinical testing. Allele origin: germline.
Comment: This variant was observed in the ICSL laboratory as part of a predisposition screen in an ostensibly healthy population. It had not been previously curated by ICSL or reported in the Human Gene Mutation Database (HGMD: prior to June 1st, 2018), and was therefore a candidate for classification through an automated scoring system. Utilizing variant allele frequency, disease prevalence and penetrance estimates, and inheritance mode, an automated score was calculated to assess if this variant is too frequent to cause the disease. Based on the score and internal cut-off values, a variant classified as benign is not then subjected to further curation. The score for this variant resulted in a classification of benign for this disease.

Center for Genetic Medicine Research, Children's National Medical Center
Classification: Uncertain significance. Last evaluated: 2015-12-01. Review status: criteria provided, single submitter. Criteria: Punetha et al. (J Neuromuscul Dis. 2016). Collection method: research. Allele origin: unknown.

NM_004369.4(COL6A3):c.8168T>C (p.Ile2723Thr)

Gene: COL6A3 (collagen type VI alpha 3 chain; minus strand). Cytogenetic location: 2q37.3.
Variant type: single nucleotide variant.
Coding change: c.8168T>C on transcript NM_004369.4 (MANE Select); coding-DNA position 8168, T replaced by C.
Protein change: p.Ile2723Thr; replaces isoleucine 2723 with threonine.
Molecular consequence: missense variant.
Genome position (GRCh38, 1-based): chr2:237,340,748, A>G on the plus strand (T>C on the coding strand, the complement: COL6A3 is on the minus strand). VCF-style: chr2-237340748-A-G. GRCh37 (hg19) VCF-style: chr2-238249391-A-G.
Other names: c.6347T>C, p.Ile2116Thr (NM_057166.5); c.7550T>C, p.Ile2517Thr (NM_057167.4); short protein forms I2723T, I2116T, I2517T.
Identifiers: ClinVar variation 224696 (VCV000224696.17), dbSNP rs373108028, ClinGen allele CA2187607.